The following is an entry in ClinVar:

NM_015466.4(PTPN23):c.4432-5_4432-3del

Gene: PTPN23 (protein tyrosine phosphatase non-receptor type 23; plus strand). Cytogenetic location: 3p21.31.
Variant type: Deletion.
Coding change: c.4432-5_4432-3del on transcript NM_015466.4 (MANE Select); 5 bases into the intron before coding-DNA position 4432 through 3 bases into the intron before coding-DNA position 4432, 3 bases deleted (CTC; older notation c.4432-5_4432-3delCTC).
Molecular consequence: intron variant.
Genome position (GRCh38, 1-based): chr3:47,412,701-47,412,703, CTC deleted. VCF-style (leftmost placement, unchanged base first): chr3-47412700-TCTC-T. GRCh37 (hg19) VCF-style: chr3-47454190-TCTC-T.
Other names: c.4054-5_4054-3del (NM_001304482.2).
Identifiers: ClinVar variation 3149194 (VCV003149194.1), dbSNP rs755252591, ClinGen allele CA2366609.

ClinVar aggregate classification (germline): Uncertain significance (1 of 4 stars; one submission).

Conditions:
Inborn genetic diseases. Identifiers: MedGen C0950123, MeSH D030342.

Allele frequency attached by ClinVar (database versions not stated): gnomAD exomes below 0.00001; ExAC 0.00001.

Submission:

Ambry Genetics
Classification: Uncertain significance for Inborn genetic diseases. Last evaluated: 2024-03-14. Review status: criteria provided, single submitter. Criteria: Ambry Variant Classification Scheme 2023. Collection method: clinical testing. Allele origin: germline.
Comment: The c.4432-5_4432-3delCTC alteration is located in Intron 24 (E) of the PTPN23 gene. This alteration consists of a deletion of 3 nucleotides at nucleotide position c.4432-5 Intron 24 (E). Based on insufficient or conflicting evidence, the clinical significance of this alteration remains unclear.